The following is an entry in ClinVar:

NM_000186.4(CFH):c.2258G>T (p.Cys753Phe)

Gene: CFH (complement factor H; plus strand). Cytogenetic location: 1q31.3.
Variant type: single nucleotide variant.
Coding change: c.2258G>T on transcript NM_000186.4 (MANE Select); coding-DNA position 2258, G replaced by T.
Protein change: p.Cys753Phe; replaces cysteine 753 with phenylalanine.
Molecular consequence: missense variant.
Genome position (GRCh38, 1-based): chr1:196,728,367, G>T. VCF-style: chr1-196728367-G-T. GRCh37 (hg19) VCF-style: chr1-196697497-G-T.
Other names: short protein forms C753F.
Identifiers: ClinVar variation 4976850 (VCV004976850.1).
Genomic context (GRCh38, chr1:196,728,367, plus strand): 5'-TATCATTTGAATTTTCATAAAAATATATTTATTTTATAGCAATAGATAAACTTAAGAAGT[G>T]CAAATCATCAAATTTAATTATACTTGAGGAACATTTAAAAAACAAGAAGGAATTCGATCA-3'
Protein context (NP_000177.2, residues 743-763): QCVAIDKLKK[Cys753Phe]KSSNLIILEE

ClinVar aggregate classification (germline): Uncertain significance (1 of 4 stars; one submission).

Conditions:
Atypical hemolytic-uremic syndrome. Identifiers: Orphanet 2134, MedGen C2931788, MONDO:0016244.

Submission:

Genomenon, Inc
Classification: Uncertain significance for Atypical hemolytic-uremic syndrome. Last evaluated: 2026-09-17. Review status: criteria provided, single submitter. Criteria: Genomenon Sequence Variant Interpretation Standards - Updated. Collection method: curation. Allele origin: germline. Affected: yes.
Comment: CFH p.Cys753Phe (c.2258G>T) is a missense variant that changes the amino acid at codon 753 from cysteine to phenylalanine. This variant has been observed in at least one proband affected with atypical hemolytic-uremic syndrome (PMID: 28840254). It is absent or not present at a significant frequency in gnomAD. In conclusion, we classify CFH p.Cys753Phe (c.2258G>T) as a variant of uncertain significance.

Literature cited by the submitters: PubMed 28840254.